The following is an entry in ClinVar:

ClinVar aggregate classification (germline): Pathogenic (1 of 4 stars; one submission).

Conditions:
Cornelia de Lange syndrome 1 (CDLS1). Also called: Brachmann de Lange syndrome; NIPBL-Related Cornelia de Lange Syndrome; TYPUS DEGENERATIVUS AMSTELODAMENSIS. Identifiers: Orphanet 199, MedGen C4551851, MONDO:0007387, OMIM 122470.

Submission:

Labcorp Genetics (formerly Invitae), Labcorp
Classification: Pathogenic for Cornelia de Lange syndrome 1. Last evaluated: 2023-07-14. Review status: criteria provided, single submitter. Criteria: Invitae Variant Classification Sherloc (09022015). Collection method: clinical testing. Allele origin: germline.
Comment: For these reasons, this variant has been classified as Pathogenic. Advanced modeling of protein sequence and biophysical properties (such as structural, functional, and spatial information, amino acid conservation, physicochemical variation, residue mobility, and thermodynamic stability) performed at Invitae indicates that this missense variant is expected to disrupt NIPBL protein function. This missense change has been observed in individual(s) with clinical features of NIPBL-related conditions (Invitae). In at least one individual the variant was observed to be de novo. This variant is not present in population databases (gnomAD no frequency). This sequence change replaces serine, which is neutral and polar, with arginine, which is basic and polar, at codon 2276 of the NIPBL protein (p.Ser2276Arg).

NM_133433.4(NIPBL):c.6826A>C (p.Ser2276Arg)

Gene: NIPBL (NIPBL cohesin loading factor; plus strand). Cytogenetic location: 5p13.2.
Variant type: single nucleotide variant.
Coding change: c.6826A>C on transcript NM_133433.4 (MANE Select); coding-DNA position 6826, A replaced by C.
Protein change: p.Ser2276Arg; replaces serine 2276 with arginine.
Molecular consequence: missense variant.
Genome position (GRCh38, 1-based): chr5:37,049,173, A>C. VCF-style: chr5-37049173-A-C. GRCh37 (hg19) VCF-style: chr5-37049275-A-C.
Other names: c.6826A>C, p.Ser2276Arg (NM_015384.5); short protein forms S2276R.
Identifiers: ClinVar variation 2720098 (VCV002720098.3), dbSNP rs2478624222, ClinGen allele CA359508829.